The following is an entry in ClinVar:

NM_024996.7(GFM1):c.1199G>C (p.Arg400Pro)

Gene: GFM1 (G elongation factor mitochondrial 1; plus strand). Cytogenetic location: 3q25.32.
Variant type: single nucleotide variant.
Coding change: c.1199G>C on transcript NM_024996.7 (MANE Select); coding-DNA position 1199, G replaced by C.
Protein change: p.Arg400Pro; replaces arginine 400 with proline.
Molecular consequence: missense variant. On other transcripts: non-coding transcript variant (4), intron variant (1).
Genome position (GRCh38, 1-based): chr3:158,659,037, G>C. VCF-style: chr3-158659037-G-C. GRCh37 (hg19) VCF-style: chr3-158376826-G-C.
Other names: c.1199G>C (NM_024996.5); c.1256G>C, p.Arg419Pro (NM_001308164.2); c.1199G>C, p.Arg400Pro (NM_001308166.2); c.1082G>C, p.Arg361Pro (NM_001374356.1); c.974G>C, p.Arg325Pro (NM_001374357.1); c.740G>C, p.Arg247Pro (NM_001374358.1); c.632G>C, p.Arg211Pro (NM_001374359.1, NM_001374360.1); c.515G>C, p.Arg172Pro (NM_001374361.1); and 2 more; short protein forms R361P, R400P, R211P, R325P, R172P, R419P, R247P.
Identifiers: ClinVar variation 1356147 (VCV001356147.5), dbSNP rs139692119, ClinGen allele CA2682555.
Genomic context (GRCh38, chr3:158,659,037, plus strand): 5'-AGGGTGACACCATCTATAACACAAGGACAAGAAAGAAAGTACGGTTGCAACGGCTGGCTC[G>C]CATGCATGCCGACATGATGGAGGCAAGTACAGAGTCATTGTGAGATTAGAAATTCCTCTG-3'
Protein context (NP_079272.4, residues 390-410): RKKVRLQRLA[Arg400Pro]MHADMMEDVE

ClinVar aggregate classification (germline): Uncertain significance. Review status: criteria provided, multiple submitters, no conflicts (2 of 4 stars). 4 submissions from 4 submitters: Uncertain significance (4). Last evaluated 2026-09-25.

Conditions:
GFM1-related disorder. Also called: GFM1-related condition.

gnomAD v4.1: 86 of 1,614,032 alleles (0.0053%); highest among the groups gnomAD compares: Non-Finnish European, 0.0065%; no homozygotes.

Submissions (4):

PreventionGenetics, part of Exact Sciences
Classification: Uncertain significance for GFM1-related condition. Last evaluated: 2026-09-25. Review status: criteria provided, single submitter. Criteria: ACMG Guidelines, 2015. Collection method: clinical testing. Allele origin: germline.
Comment: The GFM1 c.1256G>C variant is predicted to result in the amino acid substitution p.Arg419Pro. This variant, referred to as c.1199G>C in the alternate transcript NM_024996, has been reported along with a second variant in this gene in at least one individual with combined oxidative phosphorylation deficiency 1 (de Castro et al. 2020. PubMed ID: 32718099; Supplementary Table S3, Barbosa-Gouveia et al. 2021. PubMed ID: 34440436). This variant is reported in 0.016% of alleles in individuals of European (Non-Finnish) descent in gnomAD. Although we suspect that this variant may be pathogenic, at this time, the clinical significance of this variant is uncertain due to the absence of conclusive functional and genetic evidence.

Blueprint Genetics
Classification: Uncertain significance. Last evaluated: 2024-10-14. Review status: criteria provided, single submitter. Criteria: ACMG Guidelines, 2015. Collection method: clinical testing. Allele origin: germline.

Women's Health and Genetics/Laboratory Corporation of America, LabCorp
Classification: Uncertain significance. Last evaluated: 2023-08-03. Review status: criteria provided, single submitter. Criteria: LabCorp Variant Classification Summary - May 2015. Collection method: clinical testing. Allele origin: germline.
Comment: Variant summary: GFM1 c.1199G>C (p.Arg400Pro) results in a non-conservative amino acid change located in the Translation elongation factor EFTu-like, domain (IPR004161) of the encoded protein sequence. Five of five in-silico tools predict a damaging effect of the variant on protein function. The variant allele was found at a frequency of 8e-05 in 251376 control chromosomes (gnomAD). This frequency is not significantly higher than estimated for a pathogenic variant in GFM1 causing Combined Oxidative Phosphorylation Deficiency 1 (8e-05 vs 0.0011), allowing no conclusion about variant significance. c.1199G>C has been reported in the literature in at least one individual affected with Combined Oxidative Phosphorylation Deficiency (de Castro_2020). These data do not allow any conclusion about variant significance. To our knowledge, no experimental evidence demonstrating an impact on protein function has been reported. The following publication has been ascertained in the context of this evaluation (PMID: 32718099). One ClinVar submitter has assessed the variant since 2014, and classified the variant as uncertain significance. Based on the evidence outlined above, the variant was classified as uncertain significance.

Labcorp Genetics (formerly Invitae), Labcorp
Classification: Uncertain significance. Last evaluated: 2022-10-13. Review status: criteria provided, single submitter. Criteria: Invitae Variant Classification Sherloc (09022015). Collection method: clinical testing. Allele origin: germline.
Comment: This sequence change replaces arginine, which is basic and polar, with proline, which is neutral and non-polar, at codon 400 of the GFM1 protein (p.Arg400Pro). This variant is present in population databases (rs139692119, gnomAD 0.02%). This missense change has been observed in individual(s) with combined oxidative phosphorylation deficiency (PMID: 32718099, 34440436). ClinVar contains an entry for this variant (Variation ID: 1356147). Advanced modeling of protein sequence and biophysical properties (such as structural, functional, and spatial information, amino acid conservation, physicochemical variation, residue mobility, and thermodynamic stability) performed at Invitae indicates that this missense variant is expected to disrupt GFM1 protein function. In summary, the available evidence is currently insufficient to determine the role of this variant in disease. Therefore, it has been classified as a Variant of Uncertain Significance.

Literature cited by the submitters: PubMed 32718099 (cited by Women's Health and Genetics/Laboratory Corporation of America, LabCorp and Labcorp Genetics (formerly Invitae), Labcorp); PubMed 34440436 (cited by Labcorp Genetics (formerly Invitae), Labcorp).